The following is an entry in ClinVar:

ClinVar aggregate classification (germline): Uncertain significance (1 of 4 stars; one submission).

Submission:

Labcorp Genetics (formerly Invitae), Labcorp
Classification: Uncertain significance. Last evaluated: 2022-03-13. Review status: criteria provided, single submitter. Criteria: Invitae Variant Classification Sherloc (09022015). Collection method: clinical testing. Allele origin: germline.
Comment: This variant has not been reported in the literature in individuals affected with CNGB1-related conditions. In summary, the available evidence is currently insufficient to determine the role of this variant in disease. Therefore, it has been classified as a Variant of Uncertain Significance. Advanced modeling of protein sequence and biophysical properties (such as structural, functional, and spatial information, amino acid conservation, physicochemical variation, residue mobility, and thermodynamic stability) performed at Invitae indicates that this missense variant is not expected to disrupt CNGB1 protein function. This variant is not present in population databases (gnomAD no frequency). This sequence change replaces lysine, which is basic and polar, with arginine, which is basic and polar, at codon 1118 of the CNGB1 protein (p.Lys1118Arg).

NM_001297.5(CNGB1):c.3353A>G (p.Lys1118Arg)

Gene: CNGB1 (cyclic nucleotide gated channel subunit beta 1; minus strand). Cytogenetic location: 16q21.
Variant type: single nucleotide variant.
Coding change: c.3353A>G on transcript NM_001297.5 (MANE Select); coding-DNA position 3353, A replaced by G.
Protein change: p.Lys1118Arg; replaces lysine 1118 with arginine.
Molecular consequence: missense variant.
Genome position (GRCh38, 1-based): chr16:57,887,964, T>C on the plus strand (A>G on the coding strand, the complement: CNGB1 is on the minus strand). VCF-style: chr16-57887964-T-C. GRCh37 (hg19) VCF-style: chr16-57921868-T-C.
Other names: c.3335A>G, p.Lys1112Arg (NM_001286130.2); short protein forms K1118R, K1112R.
Identifiers: ClinVar variation 2111277 (VCV002111277.4), dbSNP rs2544603181, ClinGen allele CA396062100.